The following is an entry in ClinVar:

NM_002907.4(RECQL):c.229G>A (p.Gly77Ser)

Gene: RECQL (RecQ like helicase; minus strand). Cytogenetic location: 12p12.1.
Variant type: single nucleotide variant.
Coding change: c.229G>A on transcript NM_002907.4 (MANE Select); coding-DNA position 229, G replaced by A.
Protein change: p.Gly77Ser; replaces glycine 77 with serine.
Molecular consequence: missense variant.
Genome position (GRCh38, 1-based): chr12:21,490,364, C>T on the plus strand (G>A on the coding strand, the complement: RECQL is on the minus strand). VCF-style: chr12-21490364-C-T. GRCh37 (hg19) VCF-style: chr12-21643298-C-T.
Other names: c.229G>A, p.Gly77Ser (NM_032941.3); short protein forms G77S.
Identifiers: ClinVar variation 1789232 (VCV001789232.4), dbSNP rs370761488, ClinGen allele CA6479146.

ClinVar aggregate classification (germline): Uncertain significance (1 of 4 stars; one submission).

Allele frequency attached by ClinVar (database versions not stated): gnomAD exomes below 0.00001; ESP Exome Variant Server 0.00008; ExAC 0.00001; gnomAD 0.00003.
gnomAD v4.1: 9 of 1,607,970 alleles (0.00056%); highest among the groups gnomAD compares: African/African-American, 0.0067%; no homozygotes.

Submission:

Ambry Genetics
Classification: Uncertain significance. Last evaluated: 2025-06-14. Review status: criteria provided, single submitter. Criteria: Ambry Variant Classification Scheme 2023. Collection method: clinical testing. Allele origin: germline.
Comment: The p.G77S variant (also known as c.229G>A), located in coding exon 3 of the RECQL gene, results from a G to A substitution at nucleotide position 229. The glycine at codon 77 is replaced by serine, an amino acid with similar properties. This amino acid position is poorly conserved in available vertebrate species. In addition, this alteration is predicted to be tolerated by in silico analysis. Since supporting evidence is limited at this time, the clinical significance of this alteration remains unclear.